The following is an entry in ClinVar:

NM_006618.5(KDM5B):c.2374C>A (p.Pro792Thr)

Gene: KDM5B (lysine demethylase 5B; minus strand). Cytogenetic location: 1q32.1.
Variant type: single nucleotide variant.
Coding change: c.2374C>A on transcript NM_006618.5 (MANE Select); coding-DNA position 2374, C replaced by A.
Protein change: p.Pro792Thr; replaces proline 792 with threonine.
Molecular consequence: missense variant.
Genome position (GRCh38, 1-based): chr1:202,742,755, G>T on the plus strand (C>A on the coding strand, the complement: KDM5B is on the minus strand). VCF-style: chr1-202742755-G-T. GRCh37 (hg19) VCF-style: chr1-202711883-G-T.
Other names: c.2482C>A, p.Pro828Thr (NM_001314042.2); c.2239C>A, p.Pro747Thr (NM_001347591.2); c.2359C>A, p.Pro787Thr (NM_001399817.1); short protein forms P787T, P747T, P792T, P828T.
Identifiers: ClinVar variation 2253228 (VCV002253228.3), dbSNP rs1024227444, ClinGen allele CA35579709.

ClinVar aggregate classification (germline): Uncertain significance. Review status: criteria provided, multiple submitters, no conflicts (2 of 4 stars). 2 submissions from 2 submitters: Uncertain significance (2). Last evaluated 2022-09-13.

Conditions:
Inborn genetic diseases. Identifiers: MedGen C0950123, MeSH D030342.

Allele frequency attached by ClinVar (database versions not stated): TOPMed below 0.00001.
gnomAD v4.1: 1 of 1,614,080 alleles (0.000062%); highest among the groups gnomAD compares: Non-Finnish European, 0.000085%; no homozygotes.

Submissions (2):

GeneDx
Classification: Uncertain significance. Last evaluated: 2022-09-13. Review status: criteria provided, single submitter. Criteria: GeneDx Variant Classification Process June 2021. Collection method: clinical testing. Allele origin: germline. Affected: yes.
Comment: Not observed at significant frequency in large population cohorts (gnomAD); In silico analysis supports that this missense variant has a deleterious effect on protein structure/function; Has not been previously published as pathogenic or benign to our knowledge

Ambry Genetics
Classification: Uncertain significance for Inborn genetic diseases. Last evaluated: 2021-10-06. Review status: criteria provided, single submitter. Criteria: Ambry Variant Classification Scheme 2023. Collection method: clinical testing. Allele origin: germline.